The following is an entry in ClinVar:

ClinVar aggregate classification (germline): Uncertain significance (1 of 4 stars; one submission).

Submission:

Labcorp Genetics (formerly Invitae), Labcorp
Classification: Uncertain significance. Last evaluated: 2025-12-08. Review status: criteria provided, single submitter. Criteria: Invitae Variant Classification Sherloc (09022015). Collection method: clinical testing. Allele origin: germline.
Comment: This sequence change replaces serine, which is neutral and polar, with arginine, which is basic and polar, at codon 576 of the CAMTA1 protein (p.Ser576Arg). This variant is not present in population databases (gnomAD no frequency). This variant has not been reported in the literature in individuals affected with CAMTA1-related conditions. Invitae Evidence Modeling of protein sequence and biophysical properties (such as structural, functional, and spatial information, amino acid conservation, physicochemical variation, residue mobility, and thermodynamic stability) indicates that this missense variant is expected to disrupt CAMTA1 protein function with a positive predictive value of 80%. In summary, the available evidence is currently insufficient to determine the role of this variant in disease. Therefore, it has been classified as a Variant of Uncertain Significance.

NM_015215.4(CAMTA1):c.1728T>A (p.Ser576Arg)

Gene: CAMTA1 (calmodulin binding transcription activator 1; plus strand). Cytogenetic location: 1p36.23.
Variant type: single nucleotide variant.
Coding change: c.1728T>A on transcript NM_015215.4 (MANE Select); coding-DNA position 1728, T replaced by A.
Protein change: p.Ser576Arg; replaces serine 576 with arginine.
Molecular consequence: missense variant.
Genome position (GRCh38, 1-based): chr1:7,664,275, T>A. VCF-style: chr1-7664275-T-A. GRCh37 (hg19) VCF-style: chr1-7724335-T-A.
Other names: c.1638T>A, p.Ser546Arg (NM_001349608.2, NM_001349612.2); c.1728T>A, p.Ser576Arg (NM_001349609.2, NM_001349610.2, NM_001410737.1); c.1656T>A, p.Ser552Arg (NM_001410738.1); short protein forms S546R, S552R, S576R.
Identifiers: ClinVar variation 4759815 (VCV004759815.1).